The following is an entry in ClinVar:

NM_000540.3(RYR1):c.9001-2A>G

Gene: RYR1 (ryanodine receptor 1; plus strand). Cytogenetic location: 19q13.2.
Variant type: single nucleotide variant.
Coding change: c.9001-2A>G on transcript NM_000540.3 (MANE Select); the canonical splice acceptor site of the intron before coding-DNA position 9001, A replaced by G.
Molecular consequence: splice acceptor variant.
Genome position (GRCh38, 1-based): chr19:38,510,658, A>G. VCF-style: chr19-38510658-A-G. GRCh37 (hg19) VCF-style: chr19-39001298-A-G.
Other names: c.9001-2A>G (NM_001042723.2).
Identifiers: ClinVar variation 590624 (VCV000590624.12), dbSNP rs774119942, ClinGen allele CA073062.

ClinVar aggregate classification (germline): Conflicting classifications of pathogenicity. Review status: criteria provided, conflicting classifications (1 of 4 stars). 7 submissions from 7 submitters: Pathogenic (3); Likely pathogenic (2); Uncertain significance (1). 1 of the submissions does not count toward it. Last evaluated 2024-06-26.

Conditions:
RYR1-related disorder. Also called: RYR1-related disorders; RYR1-related condition. Identifiers: MedGen CN239331.
Malignant hyperthermia, susceptibility to, 1 (MHS1). Also called: Anesthesia related hyperthermia; Malignant hyperpyrexia; Fulminating hyperpyrexia; Pharmacogenic myopathy; RYR1-Related Malignant Hyperthermia Susceptibility; Malignant hyperthermia suceptibility 1. Identifiers: Orphanet 423, MedGen C2930980, MONDO:0007783, OMIM 145600.

Allele frequency attached by ClinVar (database versions not stated): gnomAD exomes below 0.00001 and 0.00001; ExAC 0.00001.
gnomAD v4.1: 4 of 1,613,336 alleles (0.00025%); highest among the groups gnomAD compares: Non-Finnish European, 0.00034%; no homozygotes.

Submissions (7):

ARUP Laboratories, Molecular Genetics and Genomics, ARUP Laboratories
Classification: Pathogenic. Last evaluated: 2024-06-26. Review status: criteria provided, single submitter. Criteria: ARUP Molecular Germline Variant Investigation Process 2024. Collection method: clinical testing. Allele origin: germline.
Comment: The RYR1 c.9001-2A>G variant (rs774119942, ClinVar Variation ID: 590624) is reported in the literature in at least one individual with an RYR1-related myopathy and malignant hyperthermia that also carried a second variant in RYR1 suggestive of recessive inheritance (Lawal 2021, Snoeck 2015, Todd 2018). This variant is only observed on one allele in the Genome Aggregation Database (v2.1.1), indicating it is not a common polymorphism. The c.9001-2A>G variant disrupts the canonical splice acceptor site of intron 59, which is likely to negatively impact gene function. Based on available information, this variant is considered to be pathogenic. References: Lawal TA et al. Ryanodine Receptor 1-Related Myopathies: Quantification of Intramuscular Fatty Infiltration from T1-Weighted MRI. J Neuromuscul Dis. 2021;8(4):657-668. PMID: 33646171. Snoeck M et al. RYR1-related myopathies: a wide spectrum of phenotypes throughout life. Eur J Neurol. 2015 Jul;22(7):1094-112. PMID: 25960145. Todd JJ et al. Correlation of phenotype with genotype and protein structure in RYR1-related disorders. J Neurol. 2018 Nov;265(11):2506-2524. PMID: 30155738.

Labcorp Genetics (formerly Invitae), Labcorp
Classification: Pathogenic for RYR1-related disorder. Last evaluated: 2024-06-25. Review status: criteria provided, single submitter. Criteria: Invitae Variant Classification Sherloc (09022015). Collection method: clinical testing. Allele origin: germline.
Comment: This sequence change affects an acceptor splice site in intron 59 of the RYR1 gene. It is expected to disrupt RNA splicing. Variants that disrupt the donor or acceptor splice site typically lead to a loss of protein function (PMID: 16199547), and loss-of-function variants in RYR1 are known to be pathogenic (PMID: 23919265, 25960145, 28818389, 30611313). This variant is present in population databases (rs774119942, gnomAD 0.0009%). Disruption of this splice site has been observed in individual(s) with RYR1-associated conditions (PMID: 25960145). In at least one individual the data is consistent with being in trans (on the opposite chromosome) from a pathogenic variant. ClinVar contains an entry for this variant (Variation ID: 590624). Algorithms developed to predict the effect of sequence changes on RNA splicing suggest that this variant may disrupt the consensus splice site. For these reasons, this variant has been classified as Pathogenic.

Color Diagnostics, LLC DBA Color Health
Classification: Uncertain significance for Malignant hyperthermia, susceptibility to, 1. Last evaluated: 2023-10-12. Review status: criteria provided, single submitter. Criteria: ACMG Guidelines, 2015. Collection method: clinical testing. Allele origin: germline.
Comment: This variant causes a A>G nucleotide substitution at the -2 position of intron 59 of the RYR1 gene. Splicing prediction tools indicate that this variant may disrupt RNA splicing. To our knowledge, functional studies have not been reported for this variant. This variant has been reported in at least two individuals affected with an RYR1-related myopathy who had a personal or family history of a malignant hyperthermia event (PMID: 25960145, 30155738, 32236737). All of these individuals were reported to carry a different pathogenic variant in the RYR1 gene in the compound heterozygous state or in unknown phase that could explain the observed malignant hyperthermia susceptibility phenotype (PMID: 25960145, 30155738, 32236737). This variant has been identified in 1/251484 chromosomes in the general population by the Genome Aggregation Database (gnomAD). Loss of RYR1 function due to truncation and splice variants is not an established disease mechanism for autosomal dominant malignant hyperthermia, although it is associated with other phenotype(s) (ClinVar variation ID: 590624). Due to insufficient evidence, this variant is classified as a Variant of Uncertain Significance for autosomal dominant malignant hyperthermia.

Women's Health and Genetics/Laboratory Corporation of America, LabCorp
Classification: Likely pathogenic for RYR1-related disorder. Last evaluated: 2023-07-14. Review status: criteria provided, single submitter. Criteria: LabCorp Variant Classification Summary - May 2015. Collection method: clinical testing. Allele origin: germline.
Comment: Variant summary: RYR1 c.9001-2A>G is located in a canonical splice-site and is predicted to affect mRNA splicing resulting in a significantly altered protein due to either exon skipping, shortening, or inclusion of intronic material. Several computational tools predict a significant impact on normal splicing: Four predict the variant abolishes a 3' acceptor site. However, these predictions have yet to be confirmed by functional studies. The variant allele was found at a frequency of 4e-06 in 251484 control chromosomes (i.e., 1 heterozygote; gnomAD v2.1, Exomes dataset). c.9001-2A>G has been reported in the literature in at least one compound heterozygous individual affected with autosomal recessive Central Core Disease and malignant hyperthermia during anesthesia (e.g., Snoeck_2015, Todd_2018, Lawal_2021). These data suggest the variant is likely to be associated with disease. To our knowledge, no experimental evidence demonstrating an impact on protein function has been reported. The following publications have been ascertained in the context of this evaluation (PMID: 25960145, 30155738, 33646171). Three submitters have reported clinical-significance assessments for this variant to ClinVar after 2014. All submitters classified the variant as pathogenic/likely pathogenic. Based on the evidence outlined above, the variant was classified as likely pathogenic.

GeneDx
Classification: Pathogenic. Last evaluated: 2022-11-30. Review status: criteria provided, single submitter. Criteria: GeneDx Variant Classification Process June 2021. Collection method: clinical testing. Allele origin: germline. Affected: yes.
Comment: Canonical splice site variant predicted to result in a null allele in a gene for which loss of function is a known mechanism of disease; Not observed at significant frequency in large population cohorts (gnomAD); This variant is associated with the following publications: (PMID: 33646171, 25960145)

PreventionGenetics, part of Exact Sciences
Classification: Likely pathogenic. Last evaluated: 2016-08-25. Review status: criteria provided, single submitter. Criteria: ACMG Guidelines, 2015. Collection method: clinical testing. Allele origin: germline.

All of Us Research Program, National Institutes of Health
Classification: Uncertain significance for Malignant hyperthermia, susceptibility to, 1. Last evaluated: 2023-12-13. Review status: flagged submission. Criteria: ACMG Guidelines, 2015. Collection method: clinical testing. Allele origin: germline. Inheritance: Autosomal dominant inheritance. Observed: 3 variant alleles, 3 heterozygotes. Not counted in ClinVar's aggregate classification.
Comment: This variant causes a A>G nucleotide substitution at the -2 position of intron 59 of the RYR1 gene. Splicing prediction tools indicate that this variant may disrupt RNA splicing. To our knowledge, functional studies have not been reported for this variant. This variant has been reported in at least two individuals affected with an RYR1-related myopathy who had a personal or family history of a malignant hyperthermia event (PMID: 25960145, 30155738, 32236737). All of these individuals were reported to carry a different pathogenic variant in the RYR1 gene in the compound heterozygous state or in unknown phase that could explain the observed malignant hyperthermia susceptibility phenotype (PMID: 25960145, 30155738, 32236737). This variant has been identified in 1/251484 chromosomes in the general population by the Genome Aggregation Database (gnomAD). Loss of RYR1 function due to truncation and splice variants is not an established disease mechanism for autosomal dominant malignant hyperthermia, although it is associated with other phenotype(s) (ClinVar variation ID: 590624). Due to insufficient evidence, this variant is classified as a Variant of Uncertain Significance for autosomal dominant malignant hyperthermia.

This study involves interpretation of variants in research participants for the purpose of population health screening. Participant phenotype was not available at the time of variant classification. Additional details can be found in publication PMID: 35346344, PMCID: PMC8962531
ClinVar note: Reason: Unnecessary conflicting claim for distinct condition when other classifications are more relevant

Literature cited by the submitters: PubMed 16199547 (cited by Labcorp Genetics (formerly Invitae), Labcorp); PubMed 23919265 (cited by Labcorp Genetics (formerly Invitae), Labcorp); PubMed 25960145 (cited by 4 submitters); PubMed 28818389 (cited by Labcorp Genetics (formerly Invitae), Labcorp); PubMed 30611313 (cited by Labcorp Genetics (formerly Invitae), Labcorp); PubMed 30155738 (cited by 3 submitters); PubMed 32236737 (cited by Color Diagnostics, LLC DBA Color Health and All of Us Research Program, National Institutes of Health); PubMed 33646171 (cited by Women's Health and Genetics/Laboratory Corporation of America, LabCorp).